The following is an entry in ClinVar:

NM_003680.4(YARS1):c.64C>T (p.Leu22=)

Gene: YARS1 (tyrosyl-tRNA synthetase 1; minus strand). Cytogenetic location: 1p35.1.
Variant type: single nucleotide variant.
Coding change: c.64C>T on transcript NM_003680.4 (MANE Select); coding-DNA position 64, C replaced by T.
Protein change: p.Leu22=; no amino-acid change (leucine 22 retained).
Molecular consequence: synonymous variant.
Genome position (GRCh38, 1-based): chr1:32,811,051, G>A on the plus strand (C>T on the coding strand, the complement: YARS1 is on the minus strand). VCF-style: chr1-32811051-G-A. GRCh37 (hg19) VCF-style: chr1-33276652-G-A.
Identifiers: ClinVar variation 1941880 (VCV001941880.6), dbSNP rs1557467097, ClinGen allele CA417070062.

ClinVar aggregate classification (germline): Likely benign. Review status: criteria provided, multiple submitters, no conflicts (2 of 4 stars). 2 submissions from 2 submitters: Likely benign (2). Last evaluated 2026-06-02.

Conditions:
Charcot-Marie-Tooth disease dominant intermediate C (CMTDIC). Also called: CHARCOT-MARIE-TOOTH NEUROPATHY, DOMINANT INTERMEDIATE C. Identifiers: Orphanet 100045, MedGen C1842237, MONDO:0012012, OMIM 608323.
YARS1-related disorder. Also called: YARS1-related condition.

Allele frequency attached by ClinVar (database versions not stated): TOPMed below 0.00001; gnomAD 0.00001; gnomAD exomes 0.00002.
gnomAD v4.1: 26 of 1,613,950 alleles (0.0016%); highest among the groups gnomAD compares: East Asian, 0.0045%; no homozygotes.

Submissions (2):

PreventionGenetics, part of Exact Sciences
Classification: Likely benign for YARS1-related condition. Last evaluated: 2026-06-02. Review status: criteria provided, single submitter. Criteria: ACMG Guidelines, 2015. Collection method: clinical testing. Allele origin: germline.
Comment: This variant is classified as likely benign based on ACMG/AMP sequence variant interpretation guidelines (Richards et al. 2015 PMID: 25741868, with internal and published modifications).

Labcorp Genetics (formerly Invitae), Labcorp
Classification: Likely benign for Charcot-Marie-Tooth disease dominant intermediate C. Last evaluated: 2023-07-10. Review status: criteria provided, single submitter. Criteria: Invitae Variant Classification Sherloc (09022015). Collection method: clinical testing. Allele origin: germline.